The following is an entry in ClinVar:

NM_000138.5(FBN1):c.7423A>G (p.Ile2475Val)

Gene: FBN1 (fibrillin 1; minus strand). Cytogenetic location: 15q21.1.
Variant type: single nucleotide variant.
Coding change: c.7423A>G on transcript NM_000138.5 (MANE Select); coding-DNA position 7423, A replaced by G.
Protein change: p.Ile2475Val; replaces isoleucine 2475 with valine.
Molecular consequence: missense variant.
Genome position (GRCh38, 1-based): chr15:48,425,399, T>C on the plus strand (A>G on the coding strand, the complement: FBN1 is on the minus strand). VCF-style: chr15-48425399-T-C. GRCh37 (hg19) VCF-style: chr15-48717596-T-C.
Other names: c.7423A>G, p.Ile2475Val (NM_001406716.1); short protein forms I2475V.
Identifiers: ClinVar variation 3894089 (VCV003894089.1).
Genomic context (GRCh38, chr15:48,425,399, plus strand): 5'-GGTGAGGGGCAATGGTCAATTCTACTTTACCTTTGCAGCTCCTTCCATCCTCTTGCAGAA[T>C]GTAGCCTTTCGGGCATGAACACTGGTAACTCCCTTCTGTGTTTTTGCAGATAAAATTGCA-3'
Protein context (NP_000129.3, residues 2465-2485): SYQCSCPKGY[Ile2475Val]LQEDGRSCKD

ClinVar aggregate classification (germline): Uncertain significance (1 of 4 stars; one submission).

Conditions:
Familial thoracic aortic aneurysm and aortic dissection (TAAD). Also called: Thoracic aortic aneurysms and dissections. Identifiers: Orphanet 91387, MedGen C4707243, MONDO:0019625.

gnomAD v4.1: 3 of 1,614,218 alleles (0.00019%); highest among the groups gnomAD compares: South Asian, 0.0011%; no homozygotes.

Submission:

Color Diagnostics, LLC DBA Color Health
Classification: Uncertain significance for Familial thoracic aortic aneurysm and aortic dissection. Last evaluated: 2024-09-24. Review status: criteria provided, single submitter. Criteria: ACMG Guidelines, 2015. Collection method: clinical testing. Allele origin: germline.
Comment: This missense variant replaces isoleucine with valine at codon 2475 of the FBN1 protein. Computational prediction suggests that this variant may not impact protein structure and function. To our knowledge, functional studies have not been reported for this variant. This variant has not been reported in individuals affected with FBN1-related disorders in the literature. This variant has not been identified in the general population by the Genome Aggregation Database (gnomAD). The available evidence is insufficient to determine the role of this variant in disease conclusively. Therefore, this variant is classified as a Variant of Uncertain Significance.